The following is an entry in ClinVar:

ClinVar aggregate classification (germline): Uncertain significance (1 of 4 stars; one submission).

Conditions:
Hereditary cancer-predisposing syndrome. Also called: Tumor predisposition; Hereditary Cancer Syndrome; Hereditary neoplastic syndrome; Neoplastic Syndromes, Hereditary. Identifiers: Orphanet 140162, MedGen C0027672, MeSH D009386, MONDO:0015356.

Submission:

Ambry Genetics
Classification: Uncertain significance for Hereditary cancer-predisposing syndrome. Last evaluated: 2025-12-07. Review status: criteria provided, single submitter. Criteria: Ambry Variant Classification Scheme 2023. Collection method: clinical testing. Allele origin: germline.
Comment: The p.Y81F variant (also known as c.242A>T), located in coding exon 3 of the SMARCB1 gene, results from an A to T substitution at nucleotide position 242. The tyrosine at codon 81 is replaced by phenylalanine, an amino acid with highly similar properties. This amino acid position is conserved. In addition, the in silico prediction for this alteration is inconclusive. Based on the available evidence, the clinical significance of this variant remains unclear.

NM_003073.5(SMARCB1):c.242A>T (p.Tyr81Phe)

Gene: SMARCB1 (SWI/SNF related BAF chromatin remodeling complex subunit B1; plus strand). Cytogenetic location: 22q11.23.
Variant type: single nucleotide variant.
Coding change: c.242A>T on transcript NM_003073.5 (MANE Select); coding-DNA position 242, A replaced by T.
Protein change: p.Tyr81Phe; replaces tyrosine 81 with phenylalanine.
Molecular consequence: missense variant.
Genome position (GRCh38, 1-based): chr22:23,793,568, A>T. VCF-style: chr22-23793568-A-T. GRCh37 (hg19) VCF-style: chr22-24135755-A-T.
Other names: c.215A>T, p.Tyr72Phe (NM_001007468.3, NM_001317946.2); c.242A>T, p.Tyr81Phe (NM_001362877.2); short protein forms Y72F, Y81F.
Identifiers: ClinVar variation 4550283 (VCV004550283.1).
Genomic context (GRCh38, chr22:23,793,568, plus strand): 5'-TGTGTGCCACCGCCACCAGCAGAGTGACCCAGTGATGTTTGTCTGTTACAGATCACGGAT[A>T]CACGACTCTAGCCACCAGTGTGACCCTGTTAAAAGCCTCGGAAGTGGAAGAGATTCTGGA-3'
Protein context (NP_003064.2, residues 71-91): KTKPNTKDHG[Tyr81Phe]TTLATSVTLL